The following is an entry in ClinVar:

NM_001297.5(CNGB1):c.1180G>A (p.Gly394Arg)

Gene: CNGB1 (cyclic nucleotide gated channel subunit beta 1; minus strand). Cytogenetic location: 16q21.
Variant type: single nucleotide variant.
Coding change: c.1180G>A on transcript NM_001297.5 (MANE Select); coding-DNA position 1180, G replaced by A.
Protein change: p.Gly394Arg; replaces glycine 394 with arginine.
Molecular consequence: missense variant.
Genome position (GRCh38, 1-based): chr16:57,940,263, C>T on the plus strand (G>A on the coding strand, the complement: CNGB1 is on the minus strand). VCF-style: chr16-57940263-C-T. GRCh37 (hg19) VCF-style: chr16-57974167-C-T.
Other names: c.1162G>A, p.Gly388Arg (NM_001286130.2); short protein forms G388R, G394R.
Identifiers: ClinVar variation 1002739 (VCV001002739.7), dbSNP rs564874122, ClinGen allele CA8083517.

ClinVar aggregate classification (germline): Uncertain significance. Review status: criteria provided, multiple submitters, no conflicts (2 of 4 stars). 2 submissions from 2 submitters: Uncertain significance (2). Last evaluated 2024-11-05.

Allele frequency attached by ClinVar (database versions not stated): gnomAD 0.00001 and 0.00002; TOPMed 0.00002; 1000 Genomes Project 30x 0.00016; 1000 Genomes Project 0.00020.
gnomAD v4.1: 20 of 1,577,578 alleles (0.0013%); highest among the groups gnomAD compares: South Asian, 0.0081%; no homozygotes.

Submissions (2):

Labcorp Genetics (formerly Invitae), Labcorp
Classification: Uncertain significance. Last evaluated: 2024-11-05. Review status: criteria provided, single submitter. Criteria: Invitae Variant Classification Sherloc (09022015). Collection method: clinical testing. Allele origin: germline.
Comment: This sequence change replaces glycine, which is neutral and non-polar, with arginine, which is basic and polar, at codon 394 of the CNGB1 protein (p.Gly394Arg). This variant is present in population databases (rs564874122, gnomAD 0.01%). This variant has not been reported in the literature in individuals affected with CNGB1-related conditions. ClinVar contains an entry for this variant (Variation ID: 1002739). Invitae Evidence Modeling of protein sequence and biophysical properties (such as structural, functional, and spatial information, amino acid conservation, physicochemical variation, residue mobility, and thermodynamic stability) indicates that this missense variant is not expected to disrupt CNGB1 protein function with a negative predictive value of 95%. In summary, the available evidence is currently insufficient to determine the role of this variant in disease. Therefore, it has been classified as a Variant of Uncertain Significance.

Blueprint Genetics
Classification: Uncertain significance. Last evaluated: 2024-06-10. Review status: criteria provided, single submitter. Criteria: ACMG Guidelines, 2015. Collection method: clinical testing. Allele origin: germline.